The following is an entry in ClinVar:

ClinVar aggregate classification (germline): Pathogenic (1 of 4 stars; one submission).

Submission:

Labcorp Genetics (formerly Invitae), Labcorp
Classification: Pathogenic. Last evaluated: 2022-05-20. Review status: criteria provided, single submitter. Criteria: Invitae Variant Classification Sherloc (09022015). Collection method: clinical testing. Allele origin: germline.
Comment: For these reasons, this variant has been classified as Pathogenic. This variant has not been reported in the literature in individuals affected with GFM1-related conditions. This variant is not present in population databases (gnomAD no frequency). This sequence change creates a premature translational stop signal (p.Met205Trpfs*11) in the GFM1 gene. It is expected to result in an absent or disrupted protein product. Loss-of-function variants in GFM1 are known to be pathogenic (PMID: 16632485, 17160893).

Literature cited by the submitters: PubMed 16632485; PubMed 17160893.

NM_024996.7(GFM1):c.612del (p.Met205fs)

Gene: GFM1 (G elongation factor mitochondrial 1; plus strand). Cytogenetic location: 3q25.32.
Variant type: Deletion.
Coding change: c.612del on transcript NM_024996.7 (MANE Select); coding-DNA position 612, one base deleted (C; older notation c.612delC).
Protein change: p.Met205fs; shifts the reading frame from methionine 205.
Molecular consequence: frameshift variant. On other transcripts: non-coding transcript variant (2), intron variant (3).
Genome position (GRCh38, 1-based): chr3:158,649,080, C deleted; the last of 3 consecutive C bases (chr3:158,649,078-158,649,080); deleting any one gives the same sequence. VCF-style (leftmost placement, unchanged base first): chr3-158649077-AC-A. GRCh37 (hg19) VCF-style: chr3-158366866-AC-A.
Other names: c.612del, p.Met205fs (NM_001308164.2, NM_001308166.2, NM_001374355.1); c.387del, p.Met130fs (NM_001374357.1); c.45del, p.Met16fs (NM_001374359.1, NM_001374360.1); c.572+2133del (NM_001374356.1); c.6-3016del (NM_001374361.1); c.235-3020del (NM_001374358.1); short protein forms M16fs, M205fs, M130fs.
Identifiers: ClinVar variation 1452294 (VCV001452294.6), dbSNP rs2108009467, ClinGen allele CA2573136654.